The following is an entry in ClinVar:

ClinVar aggregate classification (germline): Benign. Review status: criteria provided, multiple submitters, no conflicts (2 of 4 stars). 4 submissions from 4 submitters: Benign (3). 1 of the submissions does not count toward it. Last evaluated 2022-04-01.

Conditions:
LRP1-related disorder. Also called: LRP1-related condition.

Allele frequency attached by ClinVar (database versions not stated): 1000 Genomes Project 0.00359; 1000 Genomes Project 30x 0.00390; ESP Exome Variant Server 0.00569; TOPMed 0.00622; gnomAD exomes 0.00653 and 0.01039; gnomAD 0.00677 and 0.00690; ExAC 0.00740.
gnomAD v4.1: 15,957 of 1,610,092 alleles (0.99%); highest among the groups gnomAD compares: Non-Finnish European, 1.2%; 115 homozygotes.

Submissions (4):

CeGaT Center for Human Genetics Tuebingen
Classification: Benign. Last evaluated: 2022-04-01. Review status: criteria provided, single submitter. Criteria: CeGaT Center For Human Genetics Tuebingen Variant Classification Criteria Version 2. Collection method: clinical testing. Allele origin: germline. Affected: yes. Observed: 1 variant allele.
Comment: LRP1: BP4, BP7, BS1, BS2

Labcorp Genetics (formerly Invitae), Labcorp
Classification: Benign. Last evaluated: 2019-12-31. Review status: criteria provided, single submitter. Criteria: Invitae Variant Classification Sherloc (09022015). Collection method: clinical testing. Allele origin: germline.

Breakthrough Genomics
Classification: Benign. Review status: criteria provided, single submitter. Criteria: ACMG Guidelines, 2015. Collection method: not provided. Allele origin: germline. Inheritance: Autosomal recessive inheritance. Affected: yes.

PreventionGenetics, part of Exact Sciences
Classification: Benign for LRP1-related condition. Last evaluated: 2019-03-27. Review status: no assertion criteria provided. Collection method: clinical testing. Allele origin: germline. Not counted in ClinVar's aggregate classification.
Comment: This variant is classified as benign based on ACMG/AMP sequence variant interpretation guidelines (Richards et al. 2015 PMID: 25741868, with internal and published modifications).

NM_002332.3(LRP1):c.4236C>T (p.Arg1412=)

Genes: LRP1 (LDL receptor related protein 1; plus strand), LOC126861539 (CDK7 strongly-dependent group 2 enhancer GRCh37_chr12:57570347-57571546; plus strand). Cytogenetic location: 12q13.3.
Variant type: single nucleotide variant.
Coding change: c.4236C>T on transcript NM_002332.3 (MANE Select); coding-DNA position 4236, C replaced by T.
Protein change: p.Arg1412=; no amino-acid change (arginine 1412 retained).
Molecular consequence: synonymous variant.
Genome position (GRCh38, 1-based): chr12:57,177,466, C>T. VCF-style: chr12-57177466-C-T. GRCh37 (hg19) VCF-style: chr12-57571249-C-T.
Identifiers: ClinVar variation 771752 (VCV000771752.30), dbSNP rs2228187, ClinGen allele CA6643241.